The following is an entry in ClinVar:

NM_016507.4(CDK12):c.3319A>T (p.Ile1107Phe)

Gene: CDK12 (cyclin dependent kinase 12; plus strand). Cytogenetic location: 17q12.
Variant type: single nucleotide variant.
Coding change: c.3319A>T on transcript NM_016507.4 (MANE Select); coding-DNA position 3319, A replaced by T.
Protein change: p.Ile1107Phe; replaces isoleucine 1107 with phenylalanine.
Molecular consequence: missense variant.
Genome position (GRCh38, 1-based): chr17:39,525,875, A>T. VCF-style: chr17-39525875-A-T. GRCh37 (hg19) VCF-style: chr17-37682128-A-T.
Other names: c.3319A>T, p.Ile1107Phe (NM_015083.4); short protein forms I1107F.
Identifiers: ClinVar variation 4844486 (VCV004844486.1).

ClinVar aggregate classification (germline): Uncertain significance (1 of 4 stars; one submission).

Submission:

Ambry Genetics
Classification: Uncertain significance. Last evaluated: 2026-01-24. Review status: criteria provided, single submitter. Criteria: Ambry Variant Classification Scheme 2023. Collection method: clinical testing. Allele origin: germline.
Comment: The p.I1107F variant (also known as c.3319A>T), located in coding exon 13 of the CDK12 gene, results from an A to T substitution at nucleotide position 3319. The isoleucine at codon 1107 is replaced by phenylalanine, an amino acid with highly similar properties. This amino acid position is conserved. In addition, the in silico prediction for this alteration is inconclusive. Based on the available evidence, the clinical significance of this variant remains unclear.